The following is an entry in ClinVar:

ClinVar aggregate classification (germline): Uncertain significance (1 of 4 stars; one submission).

Submission:

GeneDx
Classification: Uncertain significance. Last evaluated: 2025-07-11. Review status: criteria provided, single submitter. Criteria: GeneDx Variant Classification Process June 2021. Collection method: clinical testing. Allele origin: germline. Affected: yes.
Comment: Not observed at significant frequency in large population cohorts (gnomAD); In silico analysis supports that this missense variant has a deleterious effect on protein structure/function; Has not been previously published as pathogenic or benign to our knowledge; In silico analysis is inconclusive as to whether the variant alters gene splicing. In the absence of RNA/functional studies, the actual effect of this sequence change is unknown.

NM_001148.6(ANK2):c.11689A>G (p.Lys3897Glu)

Gene: ANK2 (ankyrin 2; plus strand). Cytogenetic location: 4q26.
Variant type: single nucleotide variant.
Coding change: c.11689A>G on transcript NM_001148.6 (MANE Select); coding-DNA position 11689, A replaced by G.
Protein change: p.Lys3897Glu; replaces lysine 3897 with glutamic acid.
Molecular consequence: missense variant. On other transcripts: intron variant (1).
Genome position (GRCh38, 1-based): chr4:113,373,168, A>G. VCF-style: chr4-113373168-A-G. GRCh37 (hg19) VCF-style: chr4-114294324-A-G.
Other names: c.11923A>G, p.Lys3975Glu (NM_001386174.1); c.11899A>G, p.Lys3967Glu (NM_001386175.1); c.5419A>G, p.Lys1807Glu (NM_001386186.2, NM_001386148.2); c.5299A>G, p.Lys1767Glu (NM_001386187.2); c.5434A>G, p.Lys1812Glu (NM_020977.5); c.5412+3363A>G (NM_001386152.1); c.5407A>G, p.Lys1803Glu (NM_001127493.3); c.5446A>G, p.Lys1816Glu (NM_001354225.2); and 44 more; short protein forms K1000E, K1651E, K1684E, K1712E, K1717E, K1725E, K1734E, K1737E.
Identifiers: ClinVar variation 4685344 (VCV004685344.1).